The following is an entry in ClinVar:

NM_000371.4(TTR):c.227A>G (p.His76Arg)

Gene: TTR (transthyretin; plus strand). Cytogenetic location: 18q12.1.
Variant type: single nucleotide variant.
Coding change: c.227A>G on transcript NM_000371.4 (MANE Select); coding-DNA position 227, A replaced by G.
Protein change: p.His76Arg; replaces histidine 76 with arginine.
Molecular consequence: missense variant.
Genome position (GRCh38, 1-based): chr18:31,595,146, A>G. VCF-style: chr18-31595146-A-G. GRCh37 (hg19) VCF-style: chr18-29175109-A-G.
Other names: short protein forms H76R.
Identifiers: ClinVar variation 963852 (VCV000963852.11), dbSNP rs78230119, ClinGen allele CA297739006.

ClinVar aggregate classification (germline): Uncertain significance. Review status: criteria provided, multiple submitters, no conflicts (2 of 4 stars). 3 submissions from 3 submitters: Uncertain significance (3). Last evaluated 2025-08-06.

Conditions:
Amyloidosis, hereditary systemic 1 (AMYLD1). Also called: Familial amyloid polyneuropathy; Transthyretin Amyloidosis; Hereditary oculoleptomeningeal amyloid angiopathy; Familial Transthyretin Amyloidosis; AMYLOID CARDIOMYOPATHY; Hereditary Transthyretin Amyloidosis. Identifiers: Orphanet 85447, Orphanet 85451, MedGen C2751492, MONDO:0971004, OMIM 105210.
Cardiovascular phenotype. Identifiers: MedGen CN230736.

Allele frequency attached by ClinVar (database versions not stated): gnomAD 0.00001; TOPMed below 0.00001.
gnomAD v4.1: 1 of 1,614,062 alleles (0.000062%); highest among the groups gnomAD compares: Non-Finnish European, 0.000085%; no homozygotes.

Submissions (3):

Labcorp Genetics (formerly Invitae), Labcorp
Classification: Uncertain significance for Amyloidosis, hereditary systemic 1. Last evaluated: 2025-08-06. Review status: criteria provided, single submitter. Criteria: Invitae Variant Classification Sherloc (09022015). Collection method: clinical testing. Allele origin: germline.
Comment: This sequence change replaces histidine, which is basic and polar, with arginine, which is basic and polar, at codon 76 of the TTR protein (p.His76Arg). This variant is present in population databases (rs78230119, gnomAD 0.007%). This missense change has been observed in individual(s) with clinical features of hereditary transthyretin-mediated amyloidosis (hATTR amyloidosis) (PMID: 17554795, 35653365). This variant is also known as p.His56Arg. ClinVar contains an entry for this variant (Variation ID: 963852). Invitae Evidence Modeling of protein sequence and biophysical properties (such as structural, functional, and spatial information, amino acid conservation, physicochemical variation, residue mobility, and thermodynamic stability) indicates that this missense variant is expected to disrupt TTR protein function with a positive predictive value of 95%. In summary, the available evidence is currently insufficient to determine the role of this variant in disease. Therefore, it has been classified as a Variant of Uncertain Significance.

Molecular Diagnostic Laboratory for Inherited Cardiovascular Disease, Montreal Heart Institute
Classification: Uncertain significance for Cardiovascular phenotype. Last evaluated: 2025-04-09. Review status: criteria provided, single submitter. Criteria: ACMG Guidelines, 2015. Collection method: clinical testing. Allele origin: germline. Affected: yes.
Comment: PM2, PS4_supp, PP2

Ambry Genetics
Classification: Uncertain significance for Cardiovascular phenotype. Last evaluated: 2023-04-17. Review status: criteria provided, single submitter. Criteria: Ambry Variant Classification Scheme 2023. Collection method: clinical testing. Allele origin: germline.
Comment: The p.H76R variant (also known as c.227A>G), located in coding exon 3 of the TTR gene, results from an A to G substitution at nucleotide position 227. The histidine at codon 76 is replaced by arginine, an amino acid with highly similar properties. This alteration (also referred to as p.H56R) has reportedly been associated with transthyretin (TTR) amyloidosis and related cardiomyopathy; however, clinical details are limited (Saraiva MJ. Hum Mutat, 2001 Jun;17:493-503; Stava TT et al. Eur J Prev Cardiol. 2022 Oct;29(13):1789-1799). This amino acid position is highly conserved in available vertebrate species. In addition, this alteration is predicted to be deleterious by in silico analysis. Since supporting evidence is limited at this time, the clinical significance of this alteration remains unclear.

Literature cited by the submitters: PubMed 17554795 (cited by Labcorp Genetics (formerly Invitae), Labcorp); PubMed 35653365 (cited by Labcorp Genetics (formerly Invitae), Labcorp and Ambry Genetics); PubMed 11385707 (cited by Ambry Genetics); PubMed 34495297 (cited by Ambry Genetics).